The following is an entry in ClinVar:

NM_001447.3(FAT2):c.3980_3981dup (p.Ala1328fs)

Genes: FAT2 (FAT atypical cadherin 2; minus strand), SLC36A1 (solute carrier family 36 member 1; plus strand). Cytogenetic location: 5q33.1.
Variant type: Duplication.
Coding change: c.3980_3981dup on transcript NM_001447.3 (MANE Select); coding-DNA positions 3980 to 3981, 2 bases duplicated (CA; older notation c.3980_3981dupCA).
Protein change: p.Ala1328fs; shifts the reading frame from alanine 1328.
Molecular consequence: frameshift variant.
Genome position (GRCh38, 1-based): chr5:151,553,352-151,553,353, TG duplicated on the plus strand (CA on the coding strand, the reverse complement: FAT2 is on the minus strand). VCF-style (leftmost placement, unchanged base first): chr5-151553351-C-CTG. GRCh37 (hg19) VCF-style: chr5-150932912-C-CTG.
Other names: short protein forms A1328fs.
Identifiers: ClinVar variation 4772600 (VCV004772600.1).

ClinVar aggregate classification (germline): Uncertain significance (1 of 4 stars; one submission).

Submission:

Labcorp Genetics (formerly Invitae), Labcorp
Classification: Uncertain significance. Last evaluated: 2026-01-14. Review status: criteria provided, single submitter. Criteria: Invitae Variant Classification Sherloc (09022015). Collection method: clinical testing. Allele origin: germline.
Comment: This sequence change creates a premature translational stop signal (p.Ala1328Glnfs*38) in the FAT2 gene. It is expected to result in an absent or disrupted protein product. However, the current clinical and genetic evidence is not sufficient to establish whether loss-of-function variants in FAT2 cause disease. This variant is not present in population databases (gnomAD no frequency). This variant has not been reported in the literature in individuals affected with FAT2-related conditions. In summary, the available evidence is currently insufficient to determine the role of this variant in disease. Therefore, it has been classified as a Variant of Uncertain Significance.